The following is an entry in ClinVar:

NM_001048174.2(MUTYH):c.862C>A (p.Gln288Lys)

Gene: MUTYH (mutY DNA glycosylase; minus strand). Cytogenetic location: 1p34.1.
Variant type: single nucleotide variant.
Coding change: c.862C>A on transcript NM_001048174.2 (MANE Select); coding-DNA position 862, C replaced by A.
Protein change: p.Gln288Lys; replaces glutamine 288 with lysine.
Molecular consequence: missense variant. On other transcripts: non-coding transcript variant (7).
Genome position (GRCh38, 1-based): chr1:45,332,074, G>T on the plus strand (C>A on the coding strand, the complement: MUTYH is on the minus strand). VCF-style: chr1-45332074-G-T. GRCh37 (hg19) VCF-style: chr1-45797746-G-T.
Other names: c.907C>A, p.Gln303Lys (NM_001293190.2); c.895C>A, p.Gln299Lys (NM_001293191.2, NM_001407069.1, NM_001407077.1); c.586C>A, p.Gln196Lys (NM_001293192.2, NM_001293196.2, NM_001407091.1); c.862C>A, p.Gln288Lys (NM_001293195.2, NM_001407070.1, NM_001407088.1 and 6 more transcripts); c.517C>A, p.Gln173Lys (NM_001350650.2, NM_001350651.2, NM_001407082.1); c.904C>A, p.Gln302Lys (NM_001407083.1, NM_001407085.1); c.865C>A, p.Gln289Lys (NM_001407086.1, NM_001048172.2, NM_001407071.1 and 1 more transcripts); c.883C>A, p.Gln295Lys (NM_001407087.1); and 5 more; short protein forms Q173K, Q275K, Q302K, Q313K, Q316K, Q196K, Q274K, Q289K.
Identifiers: ClinVar variation 4113935 (VCV004113935.1).

ClinVar aggregate classification (germline): Uncertain significance (1 of 4 stars; one submission).

Conditions:
Hereditary cancer-predisposing syndrome. Also called: Hereditary neoplastic syndrome; Neoplastic Syndromes, Hereditary; Tumor predisposition; Hereditary Cancer Syndrome. Identifiers: Orphanet 140162, MedGen C0027672, MeSH D009386, MONDO:0015356.

Submission:

Ambry Genetics
Classification: Uncertain significance for Hereditary cancer-predisposing syndrome. Last evaluated: 2025-08-27. Review status: criteria provided, single submitter. Criteria: Ambry Variant Classification Scheme 2023. Collection method: clinical testing. Allele origin: germline.
Comment: The p.Q316K variant (also known as c.946C>A), located in coding exon 11 of the MUTYH gene, results from a C to A substitution at nucleotide position 946. The glutamine at codon 316 is replaced by lysine, an amino acid with similar properties. This amino acid position is conserved. In addition, this alteration is predicted to be tolerated by in silico analysis. Based on the available evidence, the clinical significance of this variant remains unclear.